The following is an entry in ClinVar:

ClinVar aggregate classification (germline): Uncertain significance (1 of 4 stars; one submission).

Conditions:
Hereditary cancer-predisposing syndrome. Also called: Neoplastic Syndromes, Hereditary; Tumor predisposition; Hereditary neoplastic syndrome; Hereditary Cancer Syndrome. Identifiers: Orphanet 140162, MedGen C0027672, MeSH D009386, MONDO:0015356.

Submission:

Ambry Genetics
Classification: Uncertain significance for Hereditary cancer-predisposing syndrome. Last evaluated: 2023-03-08. Review status: criteria provided, single submitter. Criteria: Ambry Variant Classification Scheme 2023. Collection method: clinical testing. Allele origin: germline.
Comment: The p.Q1396E variant (also known as c.4186C>G) is located in coding exon 11 of the BRCA1 gene. The glutamine at codon 1396 is replaced by glutamic acid, an amino acid with highly similar properties. This change occurs in the first base pair of coding exon 11. This amino acid position is conserved. In addition, this alteration is predicted to be deleterious by in silico analysis. Since supporting evidence is limited at this time, the clinical significance of this alteration remains unclear.

NM_007294.4(BRCA1):c.4186C>G (p.Gln1396Glu)

Gene: BRCA1 (BRCA1 DNA repair associated; minus strand). Cytogenetic location: 17q21.31.
Variant type: single nucleotide variant.
Coding change: c.4186C>G on transcript NM_007294.4 (MANE Select); coding-DNA position 4186, C replaced by G.
Protein change: p.Gln1396Glu; replaces glutamine 1396 with glutamic acid.
Molecular consequence: missense variant. On other transcripts: intron variant (84).
Genome position (GRCh38, 1-based): chr17:43,082,575, G>C on the plus strand (C>G on the coding strand, the complement: BRCA1 is on the minus strand). VCF-style: chr17-43082575-G-C. GRCh37 (hg19) VCF-style: chr17-41234592-G-C.
Other names: c.4186-3C>G (NM_001407625.1, NM_001407640.1, NM_001407626.1 and 4 more transcripts); c.3919C>G, p.Gln1307Glu (NM_001407931.1, NM_001407932.1, NM_001407936.1 and 1 more transcripts); c.754-3C>G (NM_001408442.1, NM_001408444.1, NM_001408443.1 and 1 more transcripts); c.877-3C>G (NM_001407982.1, NM_001407980.1, NM_001408404.1 and 6 more transcripts); c.4063C>G, p.Gln1355Glu (NM_001407937.1, NM_001407938.1, NM_001407939.1 and 13 more transcripts); c.4045C>G, p.Gln1349Glu (NM_001407942.1, NM_007297.4, NM_001407692.1 and 23 more transcripts); c.4060C>G, p.Gln1354Glu (NM_001407940.1, NM_001407941.1, NM_001407649.1 and 6 more transcripts); c.613C>G, p.Gln205Glu (NM_001408496.1, NM_001408497.1, NM_001408498.1 and 3 more transcripts); and 64 more; short protein forms Q1307E, Q1325E, Q165E, Q204E, Q225E, Q245E, Q290E, Q292E.
Identifiers: ClinVar variation 2450696 (VCV002450696.2), dbSNP rs80357011, ClinGen allele CA10593347.